The following is an entry in ClinVar:

ClinVar aggregate classification (germline): Uncertain significance (1 of 4 stars; one submission).

Submission:

Labcorp Genetics (formerly Invitae), Labcorp
Classification: Uncertain significance. Last evaluated: 2026-01-12. Review status: criteria provided, single submitter. Criteria: Invitae Variant Classification Sherloc (09022015). Collection method: clinical testing. Allele origin: germline.
Comment: This sequence change replaces glycine, which is neutral and non-polar, with glutamic acid, which is acidic and polar, at codon 504 of the NCSTN protein (p.Gly504Glu). This variant is not present in population databases (gnomAD no frequency). This variant has not been reported in the literature in individuals affected with NCSTN-related conditions. Invitae Evidence Modeling of protein sequence and biophysical properties (such as structural, functional, and spatial information, amino acid conservation, physicochemical variation, residue mobility, and thermodynamic stability) indicates that this missense variant is expected to disrupt NCSTN protein function with a positive predictive value of 80%. In summary, the available evidence is currently insufficient to determine the role of this variant in disease. Therefore, it has been classified as a Variant of Uncertain Significance.

NM_015331.3(NCSTN):c.1511G>A (p.Gly504Glu)

Gene: NCSTN (nicastrin; plus strand). Cytogenetic location: 1q23.2.
Variant type: single nucleotide variant.
Coding change: c.1511G>A on transcript NM_015331.3 (MANE Select); coding-DNA position 1511, G replaced by A.
Protein change: p.Gly504Glu; replaces glycine 504 with glutamic acid.
Molecular consequence: missense variant.
Genome position (GRCh38, 1-based): chr1:160,355,918, G>A. VCF-style: chr1-160355918-G-A. GRCh37 (hg19) VCF-style: chr1-160325708-G-A.
Other names: c.1451G>A, p.Gly484Glu (NM_001290184.2); c.1097G>A, p.Gly366Glu (NM_001290186.2); c.1511G>A, p.Gly504Glu (NM_001349729.2); short protein forms G366E, G504E, G484E.
Identifiers: ClinVar variation 4741304 (VCV004741304.1).